The following is an entry in ClinVar:

ClinVar aggregate classification (germline): Uncertain significance (1 of 4 stars; one submission).

Submission:

Labcorp Genetics (formerly Invitae), Labcorp
Classification: Uncertain significance. Last evaluated: 2025-06-05. Review status: criteria provided, single submitter. Criteria: Invitae Variant Classification Sherloc (09022015). Collection method: clinical testing. Allele origin: germline.
Comment: This sequence change affects codon 364 of the BGN mRNA. It is a 'silent' change, meaning that it does not change the encoded amino acid sequence of the BGN protein. This variant is not present in population databases (gnomAD no frequency). This variant has not been reported in the literature in individuals affected with BGN-related conditions. Algorithms developed to predict the effect of sequence changes on RNA splicing suggest that this variant may create or strengthen a splice site. In summary, the available evidence is currently insufficient to determine the role of this variant in disease. Therefore, it has been classified as a Variant of Uncertain Significance.

NM_001711.6(BGN):c.1092C>T (p.Gly364=)

Gene: BGN (biglycan; plus strand). Cytogenetic location: Xq28.
Variant type: single nucleotide variant.
Coding change: c.1092C>T on transcript NM_001711.6 (MANE Select); coding-DNA position 1092, C replaced by T.
Protein change: p.Gly364=; no amino-acid change (glycine 364 retained).
Molecular consequence: synonymous variant.
Genome position (GRCh38, 1-based): chrX:153,508,430, C>T. VCF-style: chrX-153508430-C-T. GRCh37 (hg19) VCF-style: chrX-152773888-C-T.
Identifiers: ClinVar variation 4808893 (VCV004808893.1).